The following is an entry in ClinVar:

NM_001365276.2(TNXB):c.144G>T (p.Val48=)

Gene: TNXB (tenascin XB; minus strand). Cytogenetic location: 6p21.33.
Variant type: single nucleotide variant.
Coding change: c.144G>T on transcript NM_001365276.2 (MANE Select); coding-DNA position 144, G replaced by T.
Protein change: p.Val48=; no amino-acid change (valine 48 retained).
Molecular consequence: synonymous variant.
Genome position (GRCh38, 1-based): chr6:32,098,055, C>A on the plus strand (G>T on the coding strand, the complement: TNXB is on the minus strand). VCF-style: chr6-32098055-C-A. GRCh37 (hg19) VCF-style: chr6-32065832-C-A.
Other names: c.144G>T, p.Val48= (NM_001428335.1, NM_019105.8).
Identifiers: ClinVar variation 3905813 (VCV003905813.10).
Genomic context (GRCh38, chr6:32,098,055, plus strand): 5'-CTCCCCTCCTTCCACTGTGTGCTCGTAAAGCTGAGAAGAGGGGCTTCCCACTCCAGCCCC[C>A]ACTGTGTGGCCCCCTGGCTGGGGAGGGGGCCGGGGGGCTGGCAGTGTCACATTGGACCGT-3'
Protein context (NP_001352205.1, residues 38-58): RPPPQPGGHT[Val48=]GAGVGSPSSQ

ClinVar aggregate classification (germline): Likely benign (1 of 4 stars; one submission).

Submission:

CeGaT Center for Human Genetics Tuebingen
Classification: Likely benign. Last evaluated: 2025-05-01. Review status: criteria provided, single submitter. Criteria: CeGaT Center For Human Genetics Tuebingen Variant Classification Criteria Version 2. Collection method: clinical testing. Allele origin: germline. Affected: yes. Observed: 1 variant allele.
Comment: TNXB: PM2:Supporting, BP4, BP7